The following is an entry in ClinVar:

ClinVar aggregate classification (germline): Uncertain significance (1 of 4 stars; one submission).

Conditions:
Fanconi anemia (FA). Also called: Fanconi's anemia. Identifiers: Orphanet 84, MedGen C0015625, MeSH D005199, MONDO:0019391.

Allele frequency attached by ClinVar (database versions not stated): gnomAD exomes below 0.00001.
gnomAD v4.1: 1 of 1,609,380 alleles (0.000062%); highest among the groups gnomAD compares: Non-Finnish European, 0.000085%; no homozygotes.

Submission:

Labcorp Genetics (formerly Invitae), Labcorp
Classification: Uncertain significance for Fanconi anemia. Last evaluated: 2021-12-17. Review status: criteria provided, single submitter. Criteria: Invitae Variant Classification Sherloc (09022015). Collection method: clinical testing. Allele origin: germline.
Comment: In summary, the available evidence is currently insufficient to determine the role of this variant in disease. Therefore, it has been classified as a Variant of Uncertain Significance. Algorithms developed to predict the effect of missense changes on protein structure and function (SIFT, PolyPhen-2, Align-GVGD) all suggest that this variant is likely to be tolerated. ClinVar contains an entry for this variant (Variation ID: 1014122). This variant has not been reported in the literature in individuals affected with FANCM-related conditions. This variant is not present in population databases (gnomAD no frequency). This sequence change replaces threonine, which is neutral and polar, with alanine, which is neutral and non-polar, at codon 260 of the FANCM protein (p.Thr260Ala).

NM_020937.4(FANCM):c.778A>G (p.Thr260Ala)

Gene: FANCM (FA complementation group M; plus strand). Cytogenetic location: 14q21.2.
Variant type: single nucleotide variant.
Coding change: c.778A>G on transcript NM_020937.4 (MANE Select); coding-DNA position 778, A replaced by G.
Protein change: p.Thr260Ala; replaces threonine 260 with alanine.
Molecular consequence: missense variant.
Genome position (GRCh38, 1-based): chr14:45,148,855, A>G. VCF-style: chr14-45148855-A-G. GRCh37 (hg19) VCF-style: chr14-45618058-A-G.
Other names: c.700A>G, p.Thr234Ala (NM_001308133.2); c.778A>G, p.Thr260Ala (NM_001308134.2); short protein forms T234A, T260A.
Identifiers: ClinVar variation 1014122 (VCV001014122.6), dbSNP rs1886617707, ClinGen allele CA389589804.